The following is an entry in ClinVar:

ClinVar aggregate classification (germline): Uncertain significance. Review status: criteria provided, multiple submitters, no conflicts (2 of 4 stars). 3 submissions from 3 submitters: Uncertain significance (3). Last evaluated 2026-01-15.

Conditions:
Neuroblastoma, susceptibility to, 3. Also called: ALK-Related Neuroblastic Tumor Susceptibility. Identifiers: Orphanet 635, MedGen C2751681, MONDO:0013083, OMIM 613014.
Hereditary cancer-predisposing syndrome. Also called: Neoplastic Syndromes, Hereditary; Tumor predisposition; Hereditary Cancer Syndrome; Hereditary neoplastic syndrome. Identifiers: Orphanet 140162, MedGen C0027672, MeSH D009386, MONDO:0015356.

gnomAD v4.1: 2 of 1,614,156 alleles (0.00012%); highest among the groups gnomAD compares: Non-Finnish European, 0.00017%; no homozygotes.

Submissions (3):

Ambry Genetics
Classification: Uncertain significance for Hereditary cancer-predisposing syndrome. Last evaluated: 2026-01-15. Review status: criteria provided, single submitter. Criteria: Ambry Variant Classification Scheme 2023. Collection method: clinical testing. Allele origin: germline.
Comment: The p.G1534R variant (also known as c.4600G>A), located in coding exon 29 of the ALK gene, results from a G to A substitution at nucleotide position 4600. The glycine at codon 1534 is replaced by arginine, an amino acid with dissimilar properties. This amino acid position is conserved. In addition, the in silico prediction for this alteration is inconclusive. Based on the available evidence, the clinical significance of this variant remains unclear.

Fulgent Genetics
Classification: Uncertain significance for Neuroblastoma, susceptibility to, 3. Last evaluated: 2024-05-30. Review status: criteria provided, single submitter. Criteria: ACMG Guidelines, 2015. Collection method: clinical testing. Allele origin: germline.

Labcorp Genetics (formerly Invitae), Labcorp
Classification: Uncertain significance for Neuroblastoma, susceptibility to, 3. Last evaluated: 2022-06-02. Review status: criteria provided, single submitter. Criteria: Invitae Variant Classification Sherloc (09022015). Collection method: clinical testing. Allele origin: germline.
Comment: In summary, the available evidence is currently insufficient to determine the role of this variant in disease. Therefore, it has been classified as a Variant of Uncertain Significance. Algorithms developed to predict the effect of missense changes on protein structure and function (SIFT, PolyPhen-2, Align-GVGD) all suggest that this variant is likely to be disruptive. ClinVar contains an entry for this variant (Variation ID: 1465922). This variant has not been reported in the literature in individuals affected with ALK-related conditions. This variant is not present in population databases (gnomAD no frequency). This sequence change replaces glycine, which is neutral and non-polar, with arginine, which is basic and polar, at codon 1534 of the ALK protein (p.Gly1534Arg).

NM_004304.5(ALK):c.4600G>A (p.Gly1534Arg)

Gene: ALK (ALK receptor tyrosine kinase; minus strand). Cytogenetic location: 2p23.2.
Variant type: single nucleotide variant.
Coding change: c.4600G>A on transcript NM_004304.5 (MANE Select); coding-DNA position 4600, G replaced by A.
Protein change: p.Gly1534Arg; replaces glycine 1534 with arginine.
Molecular consequence: missense variant.
Genome position (GRCh38, 1-based): chr2:29,193,487, C>T on the plus strand (G>A on the coding strand, the complement: ALK is on the minus strand). VCF-style: chr2-29193487-C-T. GRCh37 (hg19) VCF-style: chr2-29416353-C-T.
Other names: c.1396G>A, p.Gly466Arg (NM_001353765.2); c.4600G>A (NM_004304.4); short protein forms G1534R, G466R.
Identifiers: ClinVar variation 1465922 (VCV001465922.10), dbSNP rs1453682751, ClinGen allele CA346460629.
Genomic context (GRCh38, chr2:29,193,487, plus strand): 5'-AGGCCCCCGGAAGTCTCCCAGTTGCAACGTTAGGTGGGACAGTACAGCTTCCCTCCAGCC[C>T]CAGGTTACCCCTGTCGTGTGGCTCCTTCTTTGCTATAGGATTATTCTTTTTGGTGGGTTT-3'
Protein context (NP_004295.2, residues 1524-1544): KKEPHDRGNL[Gly1534Arg]LEGSCTVPPN